The following is an entry in ClinVar:

NM_005120.3(MED12):c.3020A>G (p.Asn1007Ser)

Gene: MED12 (mediator complex subunit 12; plus strand). Cytogenetic location: Xq13.1.
Variant type: single nucleotide variant.
Coding change: c.3020A>G on transcript NM_005120.3 (MANE Select); coding-DNA position 3020, A replaced by G.
Protein change: p.Asn1007Ser; replaces asparagine 1007 with serine.
Molecular consequence: missense variant.
Genome position (GRCh38, 1-based): chrX:71,127,931, A>G. VCF-style: chrX-71127931-A-G. GRCh37 (hg19) VCF-style: chrX-70347781-A-G.
Other names: short protein forms N1007S.
Identifiers: ClinVar variation 11521 (VCV000011521.22), dbSNP rs80338759, ClinGen allele CA341094.
Genomic context (GRCh38, chrX:71,127,931, plus strand): 5'-CTCCTTTCCTCCATCCCTGCAGCGACTTTTGCTCAAAGGTGAAGAACACCATCTACTGCA[A>G]CGTGGAGCCATCGGAATCAAATATGCGCTGGGCACCTGAGTTCATGATCGACACTCTAGA-3'
Protein context (NP_005111.2, residues 997-1017): CSKVKNTIYC[Asn1007Ser]VEPSESNMRW

ClinVar aggregate classification (germline): Pathogenic/Likely pathogenic. Review status: criteria provided, multiple submitters, no conflicts (2 of 4 stars). 6 submissions from 6 submitters: Pathogenic (1); Likely pathogenic (1). 4 of the submissions do not count toward it. Last evaluated 2024-11-15.

Conditions:
FG syndrome (FGS). Identifiers: MedGen C0220769, MONDO:0002010.
FG syndrome 1 (OKS). Also called: OPITZ-KAVEGGIA SYNDROME; KELLER SYNDROME; MENTAL RETARDATION, LARGE HEAD, IMPERFORATE ANUS, CONGENITAL HYPOTONIA, AND PARTIAL AGENESIS OF CORPUS CALLOSUM; FG Syndrome Type 1 (FGS1). Identifiers: Orphanet 93932, MedGen C5399762, MONDO:0010590, OMIM 305450.
X-linked intellectual disability with marfanoid habitus. Also called: X-linked mental retardation with marfanoid habitus syndrome; Lujan Syndrome; INTELLECTUAL DEVELOPMENTAL DISORDER, X-LINKED, SYNDROMIC, LUJAN-FRYNS TYPE; Lujan Syndrome (LS). Identifiers: Orphanet 776, MedGen C0796022, MONDO:0010655, OMIM 309520.

Submissions (6):

Labcorp Genetics (formerly Invitae), Labcorp
Classification: Pathogenic for FG syndrome. Last evaluated: 2024-11-15. Review status: criteria provided, single submitter. Criteria: Invitae Variant Classification Sherloc (09022015). Collection method: clinical testing. Allele origin: germline.
Comment: This sequence change replaces asparagine, which is neutral and polar, with serine, which is neutral and polar, at codon 1007 of the MED12 protein (p.Asn1007Ser). This variant is not present in population databases (gnomAD no frequency). This missense change has been observed in individual(s) with MED12-related conditions (PMID: 17369503, 23091001, 27980443). In at least one individual the variant was observed to be de novo. It has also been observed to segregate with disease in related individuals. ClinVar contains an entry for this variant (Variation ID: 11521). Invitae Evidence Modeling of protein sequence and biophysical properties (such as structural, functional, and spatial information, amino acid conservation, physicochemical variation, residue mobility, and thermodynamic stability) indicates that this missense variant is not expected to disrupt MED12 protein function with a negative predictive value of 95%. Experimental studies have shown that this missense change affects MED12 function (PMID: 23091001). For these reasons, this variant has been classified as Pathogenic.

Neuberg Centre For Genomic Medicine, NCGM
Classification: Likely pathogenic for X-linked intellectual disability with marfanoid habitus. Last evaluated: 2023-05-20. Review status: criteria provided, single submitter. Criteria: ACMG Guidelines, 2015. Collection method: clinical testing. Allele origin: germline. Inheritance: X-linked recessive inheritance. Affected: yes.
Comment: The observed missense variant c.3020A>G(p.Asn1007Ser) in MED12 gene has been reported previously in homozygous state in individuals with Nonsyndromic X-linked intellectual deficiency, Lujan syndrome (Bouazzi H, et al., 2015, Schwartz CE, et al., 2007). The c.3020A>G variant is absent in gnomAD Exomes. This variant has been reported to the ClinVar database as Pathogenic. However, experimental studies on the pathogenicity of the variant are not available. The amino acid Asparagine at position 1007 is changed to a Serine changing protein sequence and it might alter its composition and physico-chemical properties. Computational evidence (Polyphen-Benign, SIFT-Tolerated and Mutation Taster-Disease causing) predicts conflicting evidence on protein structure and function for this variant. The reference amino acid p.Asn1007Ser in MED12 is predicted as conserved by GERP++ and PhyloP across 100 vertebrates. For these reasons, this variant has been classified as Likely Pathogenic.

OMIM
Classification: Pathogenic for INTELLECTUAL DEVELOPMENTAL DISORDER, X-LINKED, SYNDROMIC, LUJAN-FRYNS TYPE. Last evaluated: 2008-08-08. Review status: no assertion criteria provided. Collection method: literature only. Allele origin: germline. Not counted in ClinVar's aggregate classification.

Diagnostic Laboratory, Department of Genetics, University Medical Center Groningen
Classification: Pathogenic. Review status: no assertion criteria provided. Collection method: clinical testing. Allele origin: germline. Affected: yes. Study: VKGL Data-share Consensus. Not counted in ClinVar's aggregate classification.

GeneReviews
No classification provided. Condition: FG syndrome. Review status: no classification provided. Collection method: literature only. Allele origin: germline. Not counted in ClinVar's aggregate classification.
Comment: Recurrent variant in persons with Lujan syndrome

Joint Genome Diagnostic Labs from Nijmegen and Maastricht, Radboudumc and MUMC+
Classification: Pathogenic. Review status: no assertion criteria provided. Collection method: clinical testing. Allele origin: germline. Affected: yes. Study: VKGL Data-share Consensus. Not counted in ClinVar's aggregate classification.

Literature cited by the submitters: PubMed 17369503 (cited by 3 submitters); PubMed 23091001 (cited by Labcorp Genetics (formerly Invitae), Labcorp); PubMed 27980443 (cited by Labcorp Genetics (formerly Invitae), Labcorp and GeneReviews); PubMed 6711603 (cited by OMIM); PubMed 18691967 (cited by OMIM); PubMed 20301719 (cited by GeneReviews).